The following is an entry in ClinVar:

NM_144643.4(SCLT1):c.1844G>A (p.Arg615Gln)

Gene: SCLT1 (sodium channel and clathrin linker 1; minus strand). Cytogenetic location: 4q28.2.
Variant type: single nucleotide variant.
Coding change: c.1844G>A on transcript NM_144643.4 (MANE Select); coding-DNA position 1844, G replaced by A.
Protein change: p.Arg615Gln; replaces arginine 615 with glutamine.
Molecular consequence: missense variant.
Genome position (GRCh38, 1-based): chr4:128,891,123, C>T on the plus strand (G>A on the coding strand, the complement: SCLT1 is on the minus strand). VCF-style: chr4-128891123-C-T. GRCh37 (hg19) VCF-style: chr4-129812278-C-T.
Other names: c.1844G>A (NM_144643.3); short protein forms R615Q.
Identifiers: ClinVar variation 1372346 (VCV001372346.5), dbSNP rs372975601, ClinGen allele CA3079497.

ClinVar aggregate classification (germline): Uncertain significance. Review status: criteria provided, multiple submitters, no conflicts (2 of 4 stars). 2 submissions from 2 submitters: Uncertain significance (2). Last evaluated 2025-06-08.

Conditions:
SCLT1-related disorder. Also called: SCLT1-related condition.

Allele frequency attached by ClinVar (database versions not stated): gnomAD exomes 0.00002 and 0.00004; ExAC 0.00006; TOPMed 0.00008; gnomAD 0.00009; ESP Exome Variant Server 0.00015; 1000 Genomes Project 30x 0.00031; 1000 Genomes Project 0.00040.
gnomAD v4.1: 50 of 1,612,282 alleles (0.0031%); highest among the groups gnomAD compares: African/African-American, 0.02%; no homozygotes.

Submissions (2):

PreventionGenetics, part of Exact Sciences
Classification: Uncertain significance for SCLT1-related condition. Last evaluated: 2025-06-08. Review status: criteria provided, single submitter. Criteria: ACMG Guidelines, 2015. Collection method: clinical testing. Allele origin: germline.
Comment: The SCLT1 c.1844G>A variant is predicted to result in the amino acid substitution p.Arg615Gln. To our knowledge, this variant has not been reported in the literature. This variant is reported in 0.036% of alleles in individuals of African descent in gnomAD. At this time, the clinical significance of this variant is uncertain due to the absence of conclusive functional and genetic evidence.

Labcorp Genetics (formerly Invitae), Labcorp
Classification: Uncertain significance. Last evaluated: 2023-10-03. Review status: criteria provided, single submitter. Criteria: Invitae Variant Classification Sherloc (09022015). Collection method: clinical testing. Allele origin: germline.
Comment: This sequence change replaces arginine, which is basic and polar, with glutamine, which is neutral and polar, at codon 615 of the SCLT1 protein (p.Arg615Gln). This variant is present in population databases (rs372975601, gnomAD 0.03%). This variant has not been reported in the literature in individuals affected with SCLT1-related conditions. ClinVar contains an entry for this variant (Variation ID: 1372346). An algorithm developed to predict the effect of missense changes on protein structure and function (PolyPhen-2) suggests that this variant¬†is likely to be tolerated. In summary, the available evidence is currently insufficient to determine the role of this variant in disease. Therefore, it has been classified as a Variant of Uncertain Significance.